The following is an entry in ClinVar:

NM_002439.5(MSH3):c.2254-1G>A

Gene: MSH3 (mutS homolog 3; plus strand). Cytogenetic location: 5q14.1.
Variant type: single nucleotide variant.
Coding change: c.2254-1G>A on transcript NM_002439.5 (MANE Select); the canonical splice acceptor site of the intron before coding-DNA position 2254, G replaced by A.
Molecular consequence: splice acceptor variant.
Genome position (GRCh38, 1-based): chr5:80,775,693, G>A. VCF-style: chr5-80775693-G-A. GRCh37 (hg19) VCF-style: chr5-80071512-G-A.
Identifiers: ClinVar variation 2565633 (VCV002565633.2), dbSNP rs2112890103, ClinGen allele CA360280643.

ClinVar aggregate classification (germline): Likely pathogenic (1 of 4 stars; one submission).

Conditions:
Hereditary cancer-predisposing syndrome. Also called: Neoplastic Syndromes, Hereditary; Hereditary Cancer Syndrome; Hereditary neoplastic syndrome; Tumor predisposition. Identifiers: Orphanet 140162, MedGen C0027672, MeSH D009386, MONDO:0015356.

Submission:

Ambry Genetics
Classification: Likely pathogenic for Hereditary cancer-predisposing syndrome. Last evaluated: 2023-03-23. Review status: criteria provided, single submitter. Criteria: Ambry Variant Classification Scheme 2023. Collection method: clinical testing. Allele origin: germline.
Comment: The c.2254-1G>A intronic variant results from a G to A substitution one nucleotide upstream from coding exon 16 of the MSH3 gene. This nucleotide position is highly conserved in available vertebrate species. In silico splice site analysis predicts that this alteration will weaken the native splice acceptor site and will result in the creation or strengthening of a novel splice acceptor site; however, direct evidence is insufficient at this time (Ambry internal data). This variant is considered to be rare based on population cohorts in the Genome Aggregation Database (gnomAD). Alterations that disrupt the canonical splice site are expected to cause aberrant splicing, resulting in an abnormal protein or a transcript that is subject to nonsense-mediated mRNA decay. As such, this alteration is classified as likely pathogenic.